The following is an entry in ClinVar:

NM_000051.4(ATM):c.8918_8929delinsTGT (p.Arg2973_Glu2977delinsMetTer)

Genes: ATM (ATM serine/threonine kinase; plus strand), C11orf65 (chromosome 11 open reading frame 65; minus strand). Cytogenetic location: 11q22.3.
Variant type: Indel.
Coding change: c.8918_8929delinsTGT on transcript NM_000051.4 (MANE Select); coding-DNA positions 8918 to 8929, GGCCGGAAGATG replaced by TGT.
Protein change: p.Arg2973_Glu2977delinsMetTer.
Molecular consequence: nonsense. On other transcripts: intron variant (2).
Genome position (GRCh38, 1-based): chr11:108,365,149-108,365,160, GGCCGGAAGATG replaced by TGT. VCF-style: chr11-108365149-GGCCGGAAGATG-TGT. GRCh37 (hg19) VCF-style: chr11-108235876-GGCCGGAAGATG-TGT.
Other names: c.8918_8929delinsTGT, p.Arg2973_Glu2977delinsMetTer (NM_001351834.2); c.640+20760_640+20771delinsACA (NM_001330368.2); c.694+20760_694+20771delinsACA (NM_001351110.2).
Identifiers: ClinVar variation 422275 (VCV000422275.9), dbSNP rs1064795675, ClinGen allele CA16619269.

ClinVar aggregate classification (germline): Pathogenic/Likely pathogenic. Review status: criteria provided, multiple submitters, no conflicts (2 of 4 stars). 2 submissions from 2 submitters: Pathogenic (1); Likely pathogenic (1). Last evaluated 2018-07-03.

Conditions:
Ataxia-telangiectasia syndrome (AT). Also called: LOUIS-BAR SYNDROME; Cerebello-oculocutaneous telangiectasia; Immunodeficiency with ataxia telangiectasia; Ataxia-telangiectasia, complementation group D; AT, COMPLEMENTATION GROUP C; Ataxia-telangiectasia, complementation group E. Identifiers: Orphanet 100, MedGen C0004135, MONDO:0008840, OMIM 208900.

Submissions (2):

Labcorp Genetics (formerly Invitae), Labcorp
Classification: Pathogenic for Ataxia-telangiectasia syndrome. Last evaluated: 2018-07-03. Review status: criteria provided, single submitter. Criteria: Invitae Variant Classification Sherloc (09022015). Collection method: clinical testing. Allele origin: germline.
Comment: For these reasons, this variant has been classified as Pathogenic. Loss-of-function variants in ATM are known to be pathogenic (PMID: 23807571, 25614872). This variant has not been reported in the literature in individuals with ATM-related disease. ClinVar contains an entry for this variant (Variation ID: 422275). This variant is not present in population databases (ExAC no frequency). This sequence change creates a premature translational stop signal (p.Arg2973_Pro2974delinsMet*) in the ATM gene. It is expected to result in an absent or disrupted protein product.

GeneDx
Classification: Likely pathogenic. Last evaluated: 2016-09-14. Review status: criteria provided, single submitter. Criteria: GeneDx Variant Classification (06012015). Collection method: clinical testing. Allele origin: germline. Affected: yes.
Comment: This variant is denoted ATM c.8918_8929del12insTGT at the cDNA level and p.Arg2973MfsXTer (R2973MfsX2) at the protein level. The normal sequence, with the bases that are deleted in braces and inserted in brackets, is CAGA[del12][TGT]AAAC. The deletion and insertion causes a frameshift which changes an Arginine to a Methionine at codon 2973, and creates a premature stop codon at position 2 of the new reading frame. Although this variant has not, to our knowledge, been reported in the literature, it is predicted to cause loss of normal protein function through either protein truncation or nonsense-mediated mRNA decay. We consider this variant to be likely pathogenic.

Literature cited by the submitters: PubMed 23807571 (cited by Labcorp Genetics (formerly Invitae), Labcorp); PubMed 25614872 (cited by Labcorp Genetics (formerly Invitae), Labcorp).